The following is an entry in ClinVar:

ClinVar aggregate classification (germline): Uncertain significance (1 of 4 stars; one submission).

Submission:

GeneDx
Classification: Uncertain significance. Last evaluated: 2025-01-24. Review status: criteria provided, single submitter. Criteria: GeneDx Variant Classification Process June 2021. Collection method: clinical testing. Allele origin: germline. Affected: yes.
Comment: Not observed at significant frequency in large population cohorts (gnomAD); In silico analysis supports that this missense variant has a deleterious effect on protein structure/function; Has not been previously published as pathogenic or benign to our knowledge

NM_005859.5(PURA):c.743A>T (p.Glu248Val)

Gene: PURA (purine rich element binding protein A; plus strand). Cytogenetic location: 5q31.3.
Variant type: single nucleotide variant.
Coding change: c.743A>T on transcript NM_005859.5 (MANE Select); coding-DNA position 743, A replaced by T.
Protein change: p.Glu248Val; replaces glutamic acid 248 with valine.
Molecular consequence: missense variant.
Genome position (GRCh38, 1-based): chr5:140,114,924, A>T. VCF-style: chr5-140114924-A-T. GRCh37 (hg19) VCF-style: chr5-139494509-A-T.
Other names: short protein forms E248V.
Identifiers: ClinVar variation 4071740 (VCV004071740.1).
Genomic context (GRCh38, chr5:140,114,924, plus strand): 5'-ACAAGCGCTTCTTCTTCGATGTGGGCTCCAACAAGTACGGCGTGTTTATGCGAGTGAGCG[A>T]GGTGAAGCCCACCTATCGCAACTCCATCACCGTGCCCTACAAGGTGTGGGCCAAGTTCGG-3'
Protein context (NP_005850.1, residues 238-258): NKYGVFMRVS[Glu248Val]VKPTYRNSIT